The following is an entry in ClinVar:

ClinVar aggregate classification (germline): Uncertain significance. Review status: criteria provided, multiple submitters, no conflicts (2 of 4 stars). 3 submissions from 3 submitters: Uncertain significance (3). Last evaluated 2026-04-03.

Allele frequency attached by ClinVar (database versions not stated): gnomAD 0.00007; TOPMed 0.00010; ExAC 0.00006; gnomAD exomes 0.00005; 1000 Genomes Project 30x 0.00016; 1000 Genomes Project 0.00020.
gnomAD v4.1: 92 of 1,609,248 alleles (0.0057%); highest among the groups gnomAD compares: Admixed American, 0.0084%; no homozygotes.

Submissions (3):

GeneDx
Classification: Uncertain significance. Last evaluated: 2026-04-03. Review status: criteria provided, single submitter. Criteria: GeneDx Variant Classification Process June 2021. Collection method: clinical testing. Allele origin: germline.
Comment: Has not been previously reported as pathogenic or benign in association with a LAMA5-related disorder to our knowledge; In silico analysis supports that this missense variant has a deleterious effect on protein structure/function; This variant is associated with the following publications: (PMID: 26740555)

Blueprint Genetics
Classification: Uncertain significance. Last evaluated: 2024-05-22. Review status: criteria provided, single submitter. Criteria: ACMG Guidelines, 2015. Collection method: clinical testing. Allele origin: germline.

Labcorp Genetics (formerly Invitae), Labcorp
Classification: Uncertain significance. Last evaluated: 2024-01-08. Review status: criteria provided, single submitter. Criteria: Invitae Variant Classification Sherloc (09022015). Collection method: clinical testing. Allele origin: germline.
Comment: This sequence change replaces arginine, which is basic and polar, with tryptophan, which is neutral and slightly polar, at codon 1950 of the LAMA5 protein (p.Arg1950Trp). This variant is present in population databases (rs201203695, gnomAD 0.01%). This variant has not been reported in the literature in individuals affected with LAMA5-related conditions. ClinVar contains an entry for this variant (Variation ID: 2143595). An algorithm developed to predict the effect of missense changes on protein structure and function (PolyPhen-2) suggests that this variant is likely to be disruptive. In summary, the available evidence is currently insufficient to determine the role of this variant in disease. Therefore, it has been classified as a Variant of Uncertain Significance.

NM_005560.6(LAMA5):c.5848C>T (p.Arg1950Trp)

Gene: LAMA5 (laminin subunit alpha 5; minus strand). Cytogenetic location: 20q13.33.
Variant type: single nucleotide variant.
Coding change: c.5848C>T on transcript NM_005560.6 (MANE Select); coding-DNA position 5848, C replaced by T.
Protein change: p.Arg1950Trp; replaces arginine 1950 with tryptophan.
Molecular consequence: missense variant.
Genome position (GRCh38, 1-based): chr20:62,323,777, G>A on the plus strand (C>T on the coding strand, the complement: LAMA5 is on the minus strand). VCF-style: chr20-62323777-G-A. GRCh37 (hg19) VCF-style: chr20-60898833-G-A.
Other names: c.5848C>T (NM_005560.3); short protein forms R1950W.
Identifiers: ClinVar variation 2143595 (VCV002143595.5), dbSNP rs201203695, ClinGen allele CA9942014.